The following is an entry in ClinVar:

ClinVar aggregate classification (germline): Conflicting classifications of pathogenicity. Review status: criteria provided, conflicting classifications (1 of 4 stars). 2 submissions from 2 submitters: Uncertain significance (1); Benign (1). Last evaluated 2024-12-24.

Conditions:
KMT2D-related disorder. Also called: KMT2D-Related Disorders.
Kabuki syndrome. Also called: NIIKAWA-KUROKI SYNDROME; Kabuki make-up syndrome. Identifiers: Orphanet 2322, MedGen C0796004, MONDO:0016512.

Allele frequency attached by ClinVar (database versions not stated): gnomAD exomes below 0.00001; ExAC 0.00001.
gnomAD v4.1: 4 of 1,613,978 alleles (0.00025%); highest among the groups gnomAD compares: South Asian, 0.0022%; no homozygotes.

Submissions (2):

PreventionGenetics, part of Exact Sciences
Classification: Uncertain significance for KMT2D-related condition. Last evaluated: 2024-12-24. Review status: criteria provided, single submitter. Criteria: ACMG Guidelines, 2015. Collection method: clinical testing. Allele origin: germline.
Comment: The KMT2D c.107C>T variant is predicted to result in the amino acid substitution p.Pro36Leu. To our knowledge, this variant has not been reported in the literature. This variant is reported in 0.0033% of alleles in individuals of South Asian descent in gnomAD. At this time, the clinical significance of this variant is uncertain due to the absence of conclusive functional and genetic evidence.

Labcorp Genetics (formerly Invitae), Labcorp
Classification: Benign for Kabuki syndrome. Last evaluated: 2023-12-19. Review status: criteria provided, single submitter. Criteria: Invitae Variant Classification Sherloc (09022015). Collection method: clinical testing. Allele origin: germline.

NM_003482.4(KMT2D):c.107C>T (p.Pro36Leu)

Gene: KMT2D (lysine methyltransferase 2D; minus strand). Cytogenetic location: 12q13.12.
Variant type: single nucleotide variant.
Coding change: c.107C>T on transcript NM_003482.4 (MANE Select); coding-DNA position 107, C replaced by T.
Protein change: p.Pro36Leu; replaces proline 36 with leucine.
Molecular consequence: missense variant.
Genome position (GRCh38, 1-based): chr12:49,054,969, G>A on the plus strand (C>T on the coding strand, the complement: KMT2D is on the minus strand). VCF-style: chr12-49054969-G-A. GRCh37 (hg19) VCF-style: chr12-49448752-G-A.
Other names: short protein forms P36L.
Identifiers: ClinVar variation 2782890 (VCV002782890.4), dbSNP rs751629550, ClinGen allele CA6548795.